The following is an entry in ClinVar:

NM_006767.4(LZTR1):c.321-5C>G

Gene: LZTR1 (leucine zipper like post translational regulator 1; plus strand). Cytogenetic location: 22q11.21.
Variant type: single nucleotide variant.
Coding change: c.321-5C>G on transcript NM_006767.4 (MANE Select); 5 bases into the intron before coding-DNA position 321, C replaced by G.
Molecular consequence: intron variant.
Genome position (GRCh38, 1-based): chr22:20,987,499, C>G. VCF-style: chr22-20987499-C-G. GRCh37 (hg19) VCF-style: chr22-21341788-C-G.
Identifiers: ClinVar variation 1508570 (VCV001508570.9), dbSNP rs758140794, ClinGen allele CA10118378.

ClinVar aggregate classification (germline): Conflicting classifications of pathogenicity. Review status: criteria provided, conflicting classifications (1 of 4 stars). 2 submissions from 2 submitters: Uncertain significance (1); Likely benign (1). Last evaluated 2025-09-23.

Conditions:
Cardiovascular phenotype. Identifiers: MedGen CN230736.
Hereditary cancer-predisposing syndrome. Also called: Hereditary neoplastic syndrome; Neoplastic Syndromes, Hereditary; Tumor predisposition; Hereditary Cancer Syndrome. Identifiers: Orphanet 140162, MedGen C0027672, MeSH D009386, MONDO:0015356.

Allele frequency attached by ClinVar (database versions not stated): gnomAD exomes 0.00001; ExAC 0.00002.
gnomAD v4.1: 2 of 1,608,424 alleles (0.00012%); highest among the groups gnomAD compares: Admixed American, 0.0017%; no homozygotes.

Submissions (2):

Labcorp Genetics (formerly Invitae), Labcorp
Classification: Likely benign. Last evaluated: 2025-09-23. Review status: criteria provided, single submitter. Criteria: Invitae Variant Classification Sherloc (09022015). Collection method: clinical testing. Allele origin: germline.

Ambry Genetics
Classification: Uncertain significance for Cardiovascular phenotype; Hereditary cancer-predisposing syndrome. Last evaluated: 2025-07-03. Review status: criteria provided, single submitter. Criteria: Ambry Variant Classification Scheme 2023. Collection method: clinical testing. Allele origin: germline.
Comment: The c.321-5C>G intronic variant results from a C to G substitution 5 nucleotides upstream from coding exon 4 in the LZTR1 gene. This nucleotide position is poorly conserved in available vertebrate species. In silico splice site analysis predicts that this alteration will not have any significant effect on splicing. Since supporting evidence is limited at this time, the clinical significance of this alteration remains unclear.